The following is an entry in ClinVar:

NM_001130438.3(SPTAN1):c.1076A>G (p.Asp359Gly)

Gene: SPTAN1 (spectrin alpha, non-erythrocytic 1; plus strand). Cytogenetic location: 9q34.11.
Variant type: single nucleotide variant.
Coding change: c.1076A>G on transcript NM_001130438.3 (MANE Select); coding-DNA position 1076, A replaced by G.
Protein change: p.Asp359Gly; replaces aspartic acid 359 with glycine.
Molecular consequence: missense variant.
Genome position (GRCh38, 1-based): chr9:128,577,497, A>G. VCF-style: chr9-128577497-A-G. GRCh37 (hg19) VCF-style: chr9-131339776-A-G.
Other names: c.1076A>G, p.Asp359Gly (NM_001195532.2, NM_001363759.2, NM_001363765.2 and 5 more transcripts); c.1112A>G, p.Asp371Gly (NM_001375312.2, NM_001375318.1); short protein forms D359G, D371G.
Identifiers: ClinVar variation 1487945 (VCV001487945.7), dbSNP rs748881611, ClinGen allele CA5264296.
Genomic context (GRCh38, chr9:128,577,497, plus strand): 5'-TGATTACAAACTGGGAGCAGATCCGCACCTTGGCGGCAGAGAGACATGCACGGCTCAATG[A>G]TTCATACAGGTGCAAATAATGCTCCAGGTCTTAACCAGTATCATTTGGCTTCTTTTTTGG-3'
Protein context (NP_001123910.1, residues 349-369): LAAERHARLN[Asp359Gly]SYRLQRFLAD

ClinVar aggregate classification (germline): Uncertain significance (1 of 4 stars; one submission).

Conditions:
Early-infantile DEE. Also called: Early infantile epileptic encephalopathy; Early infantile epileptic encephalopathy with suppression bursts; Ohtahara syndrome. Identifiers: Orphanet 1934, MedGen C0393706, MONDO:0800491.

Allele frequency attached by ClinVar (database versions not stated): gnomAD exomes below 0.00001; ExAC 0.00001.

Submission:

Labcorp Genetics (formerly Invitae), Labcorp
Classification: Uncertain significance for Early-infantile DEE. Last evaluated: 2022-08-23. Review status: criteria provided, single submitter. Criteria: Invitae Variant Classification Sherloc (09022015). Collection method: clinical testing. Allele origin: germline.
Comment: This sequence change replaces aspartic acid, which is acidic and polar, with glycine, which is neutral and non-polar, at codon 359 of the SPTAN1 protein (p.Asp359Gly). The frequency data for this variant in the population databases is considered unreliable, as metrics indicate poor data quality at this position in the gnomAD database. This variant has not been reported in the literature in individuals affected with SPTAN1-related conditions. ClinVar contains an entry for this variant (Variation ID: 1487945). Algorithms developed to predict the effect of missense changes on protein structure and function (SIFT, PolyPhen-2, Align-GVGD) all suggest that this variant is likely to be tolerated. In summary, the available evidence is currently insufficient to determine the role of this variant in disease. Therefore, it has been classified as a Variant of Uncertain Significance.